The following is an entry in ClinVar:

ClinVar aggregate classification (germline): Uncertain significance (1 of 4 stars; one submission).

Conditions:
Cardiovascular phenotype. Identifiers: MedGen CN230736.

Submission:

Ambry Genetics
Classification: Uncertain significance for Cardiovascular phenotype. Last evaluated: 2025-05-30. Review status: criteria provided, single submitter. Criteria: Ambry Variant Classification Scheme 2023. Collection method: clinical testing. Allele origin: germline.
Comment: The p.S3077Y variant (also known as c.9230C>A), located in coding exon 26 of the TNXB gene, results from a C to A substitution at nucleotide position 9230. The serine at codon 3077 is replaced by tyrosine, an amino acid with dissimilar properties. This amino acid position is conserved. In addition, this alteration is predicted to be tolerated by in silico analysis. Based on the available evidence, the clinical significance of this variant remains unclear.

NM_001365276.2(TNXB):c.9236C>A (p.Ser3079Tyr)

Gene: TNXB (tenascin XB; minus strand). Cytogenetic location: 6p21.33.
Variant type: single nucleotide variant.
Coding change: c.9236C>A on transcript NM_001365276.2 (MANE Select); coding-DNA position 9236, C replaced by A.
Protein change: p.Ser3079Tyr; replaces serine 3079 with tyrosine.
Molecular consequence: missense variant.
Genome position (GRCh38, 1-based): chr6:32,050,201, G>T on the plus strand (C>A on the coding strand, the complement: TNXB is on the minus strand). VCF-style: chr6-32050201-G-T. GRCh37 (hg19) VCF-style: chr6-32017978-G-T.
Other names: c.9977C>A, p.Ser3326Tyr (NM_001428335.1); c.9230C>A, p.Ser3077Tyr (NM_019105.8); short protein forms S3077Y, S3079Y, S3326Y.
Identifiers: ClinVar variation 3971952 (VCV003971952.1).